The following is an entry in ClinVar:

ClinVar aggregate classification (germline): Uncertain significance. Review status: criteria provided, multiple submitters, no conflicts (2 of 4 stars). 2 submissions from 2 submitters: Uncertain significance (2). Last evaluated 2025-12-29.

Conditions:
Fanconi anemia (FA). Also called: Fanconi's anemia. Identifiers: Orphanet 84, MedGen C0015625, MeSH D005199, MONDO:0019391.

Allele frequency attached by ClinVar (database versions not stated): gnomAD exomes below 0.00001 and 0.00004; ExAC 0.00001; TOPMed 0.00001.
gnomAD v4.1: 59 of 1,612,844 alleles (0.0037%); highest among the groups gnomAD compares: Non-Finnish European, 0.0047%; no homozygotes.

Submissions (2):

Labcorp Genetics (formerly Invitae), Labcorp
Classification: Uncertain significance for Fanconi anemia. Last evaluated: 2025-12-29. Review status: criteria provided, single submitter. Criteria: Invitae Variant Classification Sherloc (09022015). Collection method: clinical testing. Allele origin: germline.
Comment: This sequence change replaces glutamic acid, which is acidic and polar, with glutamine, which is neutral and polar, at codon 966 of the FANCM protein (p.Glu966Gln). This variant is present in population databases (rs762791482, gnomAD 0.007%). This variant has not been reported in the literature in individuals affected with FANCM-related conditions. ClinVar contains an entry for this variant (Variation ID: 573368). An algorithm developed to predict the effect of missense changes on protein structure and function (PolyPhen-2) suggests that this variant is likely to be disruptive. In summary, the available evidence is currently insufficient to determine the role of this variant in disease. Therefore, it has been classified as a Variant of Uncertain Significance.

Quest Diagnostics Nichols Institute San Juan Capistrano
Classification: Uncertain significance. Last evaluated: 2025-04-28. Review status: criteria provided, single submitter. Criteria: Quest Diagnostics criteria. Collection method: clinical testing. Allele origin: unknown.
Comment: The FANCM c.2896G>C (p.Glu966Gln) variant has been reported in the published literature in individuals with breast cancer (PMID: 36707629 (2023), 33471991 (2021), see also LOVD), and reportedly unaffected individuals (PMID: 36707629 (2023), 33471991 (2021), see also LOVD). The frequency of this variant in the general population (Genome Aggregation Database) is uninformative in the assessment of its pathogenicity. Analysis of this variant using bioinformatics tools for the prediction of the effect of amino acid changes on protein structure and function yielded conflicting predictions that this variant is benign or damaging. Based on the available information, we are unable to determine the clinical significance of this variant.

Literature cited by the submitters: PubMed 33471991 (cited by Quest Diagnostics Nichols Institute San Juan Capistrano); PubMed 36707629 (cited by Quest Diagnostics Nichols Institute San Juan Capistrano).

NM_020937.4(FANCM):c.2896G>C (p.Glu966Gln)

Gene: FANCM (FA complementation group M; plus strand). Cytogenetic location: 14q21.2.
Variant type: single nucleotide variant.
Coding change: c.2896G>C on transcript NM_020937.4 (MANE Select); coding-DNA position 2896, G replaced by C.
Protein change: p.Glu966Gln; replaces glutamic acid 966 with glutamine.
Molecular consequence: missense variant.
Genome position (GRCh38, 1-based): chr14:45,175,650, G>C. VCF-style: chr14-45175650-G-C. GRCh37 (hg19) VCF-style: chr14-45644853-G-C.
Other names: c.2896G>C (LRG_502t1, NM_020937.3); c.2818G>C, p.Glu940Gln (NM_001308133.2); short protein forms E966Q, E940Q.
Identifiers: ClinVar variation 573368 (VCV000573368.6), dbSNP rs762791482, ClinGen allele CA7169425.